The following is an entry in ClinVar:

ClinVar aggregate classification (germline): Likely benign. Review status: criteria provided, multiple submitters, no conflicts (2 of 4 stars). 4 submissions from 4 submitters: Likely benign (3). 1 of the submissions does not count toward it. Last evaluated 2025-02-08.

Conditions:
DNMT3A-related disorder. Also called: DNMT3A-related disorders; DNMT3A-related condition.
Inborn genetic diseases. Identifiers: MedGen C0950123, MeSH D030342.
Tatton-Brown-Rahman overgrowth syndrome. Also called: Tall stature-intellectual disability-facial dysmorphism syndrome; Tatton-Brown-Rahman syndrome. Identifiers: Orphanet 404443, MedGen C4014545, MONDO:0014382, OMIM 615879.

Allele frequency attached by ClinVar (database versions not stated): ExAC 0.00001; gnomAD 0.00001; gnomAD exomes 0.00001 and 0.00003; TOPMed 0.00002.
gnomAD v4.1: 39 of 1,613,742 alleles (0.0024%); highest among the groups gnomAD compares: Non-Finnish European, 0.0029%; no homozygotes.

Submissions (4):

Ambry Genetics
Classification: Likely benign for Inborn genetic diseases. Last evaluated: 2025-02-08. Review status: criteria provided, single submitter. Criteria: Ambry Variant Classification Scheme 2023. Collection method: clinical testing. Allele origin: germline.

Labcorp Genetics (formerly Invitae), Labcorp
Classification: Likely benign for Tatton-Brown-Rahman overgrowth syndrome. Last evaluated: 2022-06-04. Review status: criteria provided, single submitter. Criteria: Invitae Variant Classification Sherloc (09022015). Collection method: clinical testing. Allele origin: germline.

GeneDx
Classification: Likely benign. Last evaluated: 2020-08-25. Review status: criteria provided, single submitter. Criteria: GeneDx Variant Classification Process June 2021. Collection method: clinical testing. Allele origin: germline. Affected: yes.

PreventionGenetics, part of Exact Sciences
Classification: Likely benign for DNMT3A-related condition. Last evaluated: 2023-03-28. Review status: no assertion criteria provided. Collection method: clinical testing. Allele origin: germline. Not counted in ClinVar's aggregate classification.
Comment: This variant is classified as likely benign based on ACMG/AMP sequence variant interpretation guidelines (Richards et al. 2015 PMID: 25741868, with internal and published modifications).

NM_022552.5(DNMT3A):c.1194C>T (p.Ala398=)

Gene: DNMT3A (DNA methyltransferase 3 alpha; minus strand). Cytogenetic location: 2p23.3.
Variant type: single nucleotide variant.
Coding change: c.1194C>T on transcript NM_022552.5 (MANE Select); coding-DNA position 1194, C replaced by T.
Protein change: p.Ala398=; no amino-acid change (alanine 398 retained).
Molecular consequence: synonymous variant. On other transcripts: non-coding transcript variant (1).
Genome position (GRCh38, 1-based): chr2:25,246,705, G>A on the plus strand (C>T on the coding strand, the complement: DNMT3A is on the minus strand). VCF-style: chr2-25246705-G-A. GRCh37 (hg19) VCF-style: chr2-25469574-G-A.
Other names: c.1194C>T (NM_022552.3); c.738C>T, p.Ala246= (NM_001320893.1); c.525C>T, p.Ala175= (NM_001375819.1); c.627C>T, p.Ala209= (NM_153759.3); c.1194C>T, p.Ala398= (NM_175629.2).
Identifiers: ClinVar variation 1201720 (VCV001201720.10), dbSNP rs771414753, ClinGen allele CA1556110.
Genomic context (GRCh38, chr2:25,246,705, plus strand): 5'-GCCAGAAGGCTGGAAGCCCCCCAGGGCCCATTCAATCATGGGCTTGTTCTGCACCTCCAC[G>A]GCCTTGGCAGTGTCACTCTCATCGCTGTCGTGGCACACCGGGAACAGCTTCCCCGCGCGG-3'
Protein context (NP_072046.2, residues 388-408): HDSDESDTAK[Ala398=]VEVQNKPMIE